The following is an entry in ClinVar:

NM_001041.4(SI):c.4594G>T (p.Gly1532Cys)

Gene: SI (sucrase-isomaltase; minus strand). Cytogenetic location: 3q26.1.
Variant type: single nucleotide variant.
Coding change: c.4594G>T on transcript NM_001041.4 (MANE Select); coding-DNA position 4594, G replaced by T.
Protein change: p.Gly1532Cys; replaces glycine 1532 with cysteine.
Molecular consequence: missense variant.
Genome position (GRCh38, 1-based): chr3:164,996,633, C>A on the plus strand (G>T on the coding strand, the complement: SI is on the minus strand). VCF-style: chr3-164996633-C-A. GRCh37 (hg19) VCF-style: chr3-164714421-C-A.
Other names: short protein forms G1532C.
Identifiers: ClinVar variation 1467415 (VCV001467415.8), dbSNP rs1718024321, ClinGen allele CA355029823.

ClinVar aggregate classification (germline): Uncertain significance (1 of 4 stars; one submission).

Allele frequency attached by ClinVar (database versions not stated): gnomAD 0.00001.
gnomAD v4.1: 1 of 1,596,998 alleles (0.000063%); highest among the groups gnomAD compares: African/African-American, 0.0013%; no homozygotes.

Submission:

Labcorp Genetics (formerly Invitae), Labcorp
Classification: Uncertain significance. Last evaluated: 2022-08-16. Review status: criteria provided, single submitter. Criteria: Invitae Variant Classification Sherloc (09022015). Collection method: clinical testing. Allele origin: germline.
Comment: In summary, the available evidence is currently insufficient to determine the role of this variant in disease. Therefore, it has been classified as a Variant of Uncertain Significance. Advanced modeling of protein sequence and biophysical properties (such as structural, functional, and spatial information, amino acid conservation, physicochemical variation, residue mobility, and thermodynamic stability) performed at Invitae indicates that this missense variant is expected to disrupt SI protein function. ClinVar contains an entry for this variant (Variation ID: 1467415). This variant has not been reported in the literature in individuals affected with SI-related conditions. This variant is not present in population databases (gnomAD no frequency). This sequence change replaces glycine, which is neutral and non-polar, with cysteine, which is neutral and slightly polar, at codon 1532 of the SI protein (p.Gly1532Cys).